The following is an entry in ClinVar:

ClinVar aggregate classification (germline): Likely benign (1 of 4 stars; one submission).

Conditions:
B9D1-related disorder. Also called: B9D1-related condition; B9D1-related disorders.

gnomAD v4.1: 1 of 1,358,604 alleles (0.000074%); highest among the groups gnomAD compares: Non-Finnish European, 0.000097%; no homozygotes.

Submission:

PreventionGenetics, part of Exact Sciences
Classification: Likely benign for B9D1-related condition. Last evaluated: 2026-08-11. Review status: criteria provided, single submitter. Criteria: ACMG Guidelines, 2015. Collection method: clinical testing. Allele origin: germline.
Comment: This variant is classified as likely benign based on ACMG/AMP sequence variant interpretation guidelines (Richards et al. 2015 PMID: 25741868, with internal and published modifications).

NM_015681.4(B9D1):c.-157T>C

Gene: B9D1 (B9 domain containing 1; minus strand). Cytogenetic location: 17p11.2.
Variant type: single nucleotide variant.
Coding change: c.-157T>C on transcript NM_015681.4; 157 bases upstream of the start codon, T replaced by C.
Molecular consequence: intron variant (on NM_001368769.2).
Genome position (GRCh38, 1-based): chr17:19,362,726, A>G on the plus strand (T>C on the coding strand, the complement: B9D1 is on the minus strand). VCF-style: chr17-19362726-A-G. GRCh37 (hg19) VCF-style: chr17-19266039-A-G.
Other names: c.-297-2338T>C (NM_001368769.2).
Identifiers: ClinVar variation 4995690 (VCV004995690.1).